The following is an entry in ClinVar:

ClinVar aggregate classification (germline): Likely pathogenic (1 of 4 stars; one submission).

Conditions:
Leber congenital amaurosis (LCA). Also called: Leber's amaurosis. Identifiers: Orphanet 65, MedGen C0339527, MeSH D057130, MONDO:0018998.

Submission:

Natera, Inc.
Classification: Likely pathogenic for Leber congenital amaurosis. Last evaluated: 2025-01-22. Review status: criteria provided, single submitter. Criteria: Natera Variant Classification Schema (03/2026). Collection method: clinical testing. Allele origin: germline.
Comment: The c.805_807del variant in RDH12 is an in-frame deletion predicted to remove alanine at amino acid 269 while preserving the reading frame. This variant is rare in the general population with a frequency below the threshold expected for the associated phenotype(s). This variant has been observed in one or more individuals affected with the associated recessive disease, as either homozygous or compound heterozygous with a second variant (PMID: 30372751). Additionally, this variant has been observed to segregate in affected family members (PMID: 30372751). This variant results in a change to the protein length while preserving reading frame, which may disrupt normal protein structure or function. Given the available evidence, this variant is classified as Likely Pathogenic.

Literature cited by the submitters: PubMed 30372751.

NM_152443.3(RDH12):c.805_807del (p.Ala269del)

Genes: GPHN (gephyrin; plus strand), RDH12 (retinol dehydrogenase 12; plus strand), ZFYVE26 (zinc finger FYVE-type containing 26; minus strand). Cytogenetic location: 14q24.1.
Variant type: Deletion.
Coding change: c.805_807del on transcript NM_152443.3 (MANE Select); coding-DNA positions 805 to 807, 3 bases deleted (GCC; older notation c.805_807delGCC).
Protein change: p.Ala269del; deletes alanine 269.
Genome position (GRCh38, 1-based): chr14:67,729,337-67,729,339, GCC deleted; deleting any 3 consecutive bases within chr14:67,729,336-67,729,339 gives the same sequence; the c. name uses the placement nearest the transcript's 3' end. VCF-style (leftmost placement, unchanged base first): chr14-67729335-GCGC-G. GRCh37 (hg19) VCF-style: chr14-68196052-GCGC-G.
Other names: short protein forms A269del.
Identifiers: ClinVar variation 4060779 (VCV004060779.2).
Genomic context (GRCh38, chr14:67,729,335, plus strand): 5'-GGCGGCTCTTCTCCCCCTTTGTCAAGACGGCACGGGAGGGGGCGCAGACCAGCCTGCACT[GCGC>G]CCTGGCTGAGGGCCTGGAGCCCCTGAGTGGCAAGTACTTCAGGTGTGTGAAGGCAATGCG-3'